The following is an entry in ClinVar:

NM_000371.3(TTR):c.-46C>T

Gene: TTR (transthyretin; plus strand). Cytogenetic location: 18q12.1.
Variant type: single nucleotide variant.
Coding change: c.-46C>T on transcript NM_000371.3; 46 bases upstream of the start codon, C replaced by T.
Genome position (GRCh38, 1-based): chr18:31,591,857, C>T. VCF-style: chr18-31591857-C-T. GRCh37 (hg19) VCF-style: chr18-29171820-C-T.
Identifiers: ClinVar variation 509654 (VCV000509654.3), dbSNP rs750577317, ClinGen allele CA658799021.

ClinVar aggregate classification (germline): Likely benign (1 of 4 stars; one submission).

Submission:

GeneDx
Classification: Likely benign. Last evaluated: 2017-05-15. Review status: criteria provided, single submitter. Criteria: GeneDx Variant Classification (06012015). Collection method: clinical testing. Allele origin: germline. Affected: yes.
Comment: This variant is considered likely benign or benign based on one or more of the following criteria: it is a conservative change, it occurs at a poorly conserved position in the protein, it is predicted to be benign by multiple in silico algorithms, and/or has population frequency not consistent with disease.